The following is an entry in ClinVar:

NM_020928.2(ZSWIM6):c.1596G>C (p.Gln532His)

Gene: ZSWIM6 (zinc finger SWIM-type containing 6; plus strand). Cytogenetic location: 5q12.1.
Variant type: single nucleotide variant.
Coding change: c.1596G>C on transcript NM_020928.2 (MANE Select); coding-DNA position 1596, G replaced by C.
Protein change: p.Gln532His; replaces glutamine 532 with histidine.
Molecular consequence: missense variant.
Genome position (GRCh38, 1-based): chr5:61,525,882, G>C. VCF-style: chr5-61525882-G-C. GRCh37 (hg19) VCF-style: chr5-60821709-G-C.
Other names: short protein forms Q532H.
Identifiers: ClinVar variation 2110572 (VCV002110572.4), dbSNP rs2478347825, ClinGen allele CA359943415.

ClinVar aggregate classification (germline): Uncertain significance (1 of 4 stars; one submission).

Submission:

Labcorp Genetics (formerly Invitae), Labcorp
Classification: Uncertain significance. Last evaluated: 2023-10-03. Review status: criteria provided, single submitter. Criteria: Invitae Variant Classification Sherloc (09022015). Collection method: clinical testing. Allele origin: germline.
Comment: This sequence change replaces glutamine, which is neutral and polar, with histidine, which is basic and polar, at codon 532 of the ZSWIM6 protein (p.Gln532His). This variant is not present in population databases (gnomAD no frequency). This variant has not been reported in the literature in individuals affected with ZSWIM6-related conditions. ClinVar contains an entry for this variant (Variation ID: 2110572). An algorithm developed to predict the effect of missense changes on protein structure and function (PolyPhen-2) suggests that this variant is likely to be disruptive. In summary, the available evidence is currently insufficient to determine the role of this variant in disease. Therefore, it has been classified as a Variant of Uncertain Significance.